The following is an entry in ClinVar:

NM_000410.4(HFE):c.563C>T (p.Pro188Leu)

Gene: HFE (homeostatic iron regulator; plus strand). Cytogenetic location: 6p22.2.
Variant type: single nucleotide variant.
Coding change: c.563C>T on transcript NM_000410.4 (MANE Select); coding-DNA position 563, C replaced by T.
Protein change: p.Pro188Leu; replaces proline 188 with leucine.
Molecular consequence: missense variant. On other transcripts: intron variant (4).
Genome position (GRCh38, 1-based): chr6:26,091,536, C>T. VCF-style: chr6-26091536-C-T. GRCh37 (hg19) VCF-style: chr6-26091764-C-T.
Other names: c.563C>T, p.Pro188Leu (NM_001300749.3, NM_001384164.1, NM_001406751.1 and 1 more transcripts); c.299C>T, p.Pro100Leu (NM_001406752.1, NM_139007.3, NM_139008.3); c.494C>T, p.Pro165Leu (NM_139009.3); c.340+432C>T (NM_139004.3, NM_139003.3); c.77-1149C>T (NM_139010.3); c.77-1583C>T (NM_139011.3); short protein forms P100L, P165L, P188L.
Identifiers: ClinVar variation 1053068 (VCV001053068.11), dbSNP rs1762709248, ClinGen allele CA363207110.
Genomic context (GRCh38, chr6:26,091,536, plus strand): 5'-AGTGGGAAAGGCACAAGATTCGGGCCAGGCAGAACAGGGCCTACCTGGAGAGGGACTGCC[C>T]TGCACAGCTGCAGCAGTTGCTGGAGCTGGGGAGAGGTGTTTTGGACCAACAAGGTATGGT-3'
Protein context (NP_000401.1, residues 178-198): QNRAYLERDC[Pro188Leu]AQLQQLLELG

ClinVar aggregate classification (germline): Uncertain significance (1 of 4 stars; one submission).

Conditions:
Hereditary hemochromatosis (HFE). Identifiers: MedGen C0392514, MONDO:0006507. Disease mechanism: loss of function.

Allele frequency attached by ClinVar (database versions not stated): gnomAD 0.00001.

Submission:

Labcorp Genetics (formerly Invitae), Labcorp
Classification: Uncertain significance for Hereditary hemochromatosis. Last evaluated: 2022-08-16. Review status: criteria provided, single submitter. Criteria: Invitae Variant Classification Sherloc (09022015). Collection method: clinical testing. Allele origin: germline.
Comment: In summary, the available evidence is currently insufficient to determine the role of this variant in disease. Therefore, it has been classified as a Variant of Uncertain Significance. Algorithms developed to predict the effect of missense changes on protein structure and function are either unavailable or do not agree on the potential impact of this missense change (SIFT: "Tolerated"; PolyPhen-2: "Probably Damaging"; Align-GVGD: "Class C0"). ClinVar contains an entry for this variant (Variation ID: 1053068). This variant has not been reported in the literature in individuals affected with HFE-related conditions. This variant is not present in population databases (gnomAD no frequency). This sequence change replaces proline, which is neutral and non-polar, with leucine, which is neutral and non-polar, at codon 188 of the HFE protein (p.Pro188Leu).